The following is an entry in ClinVar:

NM_000135.4(FANCA):c.2164CTG[1] (p.Leu723del)

Gene: FANCA (FA complementation group A; minus strand). Cytogenetic location: 16q24.3.
Variant type: Microsatellite.
Coding change: c.2164CTG[1] on transcript NM_000135.4 (MANE Select); one copy of the 3-base unit CTG starting at c.2164; the reference has two copies in a row; one copy, 3 bases deleted; also written c.2167_2169del.
Protein change: p.Leu723del; deletes leucine 723.
Molecular consequence: inframe deletion.
Genome position (GRCh38, 1-based): chr16:89,770,617-89,770,619, CAG deleted on the plus strand (CTG on the coding strand, the reverse complement: FANCA is on the minus strand); deleting any 3 consecutive bases within chr16:89,770,617-89,770,622 gives the same sequence; the position shown is the placement nearest the transcript's 3' end. VCF-style (leftmost placement, unchanged base first): chr16-89770616-TCAG-T. GRCh37 (hg19) VCF-style: chr16-89837024-TCAG-T.
Other names: c.2164CTG[1], p.Leu723del (NM_001286167.3); c.2167_2169del (NM_000135.4); short protein forms L723del.
Identifiers: ClinVar variation 623163 (VCV000623163.5), dbSNP rs1567618907, ClinGen allele CA913190616.
Genomic context (GRCh38, chr16:89,770,616, plus strand): 5'-GCCTTCACCTCTCCGGGGGAGCGACACTGGAGGCAGCCATCAGGTTCTGACAGAAAGACG[TCAG>T]CAGGAGGTCCACAGCCTGCAGAGACACAGTTCTCATGAGCGTGGTGTCCTGGGGACGGGA-3'

ClinVar aggregate classification (germline): Pathogenic/Likely pathogenic. Review status: criteria provided, multiple submitters, no conflicts (2 of 4 stars). 4 submissions from 4 submitters: Pathogenic (1); Likely pathogenic (2). 1 of the submissions does not count toward it. Last evaluated 2023-05-08.

Conditions:
Fanconi anemia complementation group A (FANCA). Also called: Fanconi anemia, group A; FANCA-Related Fanconi Anemia. Identifiers: Orphanet 84, MedGen C3469521, MONDO:0009215, OMIM 227650.

Submissions (4):

Baylor Genetics
Classification: Pathogenic for Fanconi anemia complementation group A. Last evaluated: 2023-05-08. Review status: criteria provided, single submitter. Criteria: ACMG Guidelines, 2015. Collection method: clinical testing. Allele origin: unknown.

Fulgent Genetics
Classification: Likely pathogenic for Fanconi anemia complementation group A. Last evaluated: 2022-05-18. Review status: criteria provided, single submitter. Criteria: ACMG Guidelines, 2015. Collection method: clinical testing. Allele origin: unknown.

Molecular Diagnostics Laboratory, M Health Fairview: University of Minnesota
Classification: Likely pathogenic for Fanconi anemia complementation group A. Last evaluated: 2016-10-24. Review status: criteria provided, single submitter. Criteria: ACMG Guidelines, 2015. Collection method: clinical testing. Allele origin: germline. Affected: yes. Observed: 1 variant allele.

Leiden Open Variation Database
Classification: Pathogenic for Fanconi anemia complementation group A. Last evaluated: 2020-02-28. Review status: no assertion criteria provided. Collection method: curation. Allele origin: germline. Affected: yes. Not counted in ClinVar's aggregate classification.
Comment: Curator: Arleen D. Auerbach. Submitter to LOVD: Arleen D. Auerbach.

Literature cited by the submitters: PubMed 19367192 (cited by Molecular Diagnostics Laboratory, M Health Fairview: University of Minnesota); PubMed 10094191 (cited by Molecular Diagnostics Laboratory, M Health Fairview: University of Minnesota and Leiden Open Variation Database).